The following is an entry in ClinVar:

NC_000003.11:g.(?_189349285)_(189612311_?)dup

Gene: TP63 (tumor protein p63; plus strand). Cytogenetic location: 3q28.
Variant type: Duplication.
Identifiers: ClinVar variation 1512160 (VCV001512160.1).

ClinVar aggregate classification (germline): Uncertain significance (1 of 4 stars; one submission).

Conditions:
TP63-Related Spectrum Disorders.

Submission:

Labcorp Genetics (formerly Invitae), Labcorp
Classification: Uncertain significance. Last evaluated: 2021-05-04. Review status: criteria provided, single submitter. Criteria: Invitae Variant Classification Sherloc (09022015). Collection method: clinical testing. Allele origin: germline.
Comment: A copy number gain of the genomic region encompassing the full coding sequence of the TP63 gene has been identified. The boundaries of this event are unknown as they extend beyond the assayed region for this gene and therefore may encompass additional genes. As the precise location of this event is unknown, it may be in tandem or it may be located elsewhere in the genome. This variant has not been reported in the literature in individuals with TP63-related conditions. In summary, the available evidence is currently insufficient to determine the role of this variant in disease. Therefore, it has been classified as a Variant of Uncertain Significance.